The following is an entry in ClinVar:

ClinVar aggregate classification (germline): Uncertain significance (1 of 4 stars; one submission).

Conditions:
Congenital myasthenic syndrome 8. Also called: MYASTHENIC SYNDROME, CONGENITAL, DUE TO AGRIN DEFICIENCY; Myasthenic syndrome, congenital, 8, with pre- and postsynaptic defects. Identifiers: Orphanet 590, MedGen C3808739, MONDO:0014052, OMIM 615120.

Allele frequency attached by ClinVar (database versions not stated): ExAC below 0.00001; gnomAD 0.00001; gnomAD exomes 0.00002 and 0.00004; TOPMed 0.00002.
gnomAD v4.1: 26 of 1,566,422 alleles (0.0017%); highest among the groups gnomAD compares: Middle Eastern, 0.023%; no homozygotes.

Submission:

Labcorp Genetics (formerly Invitae), Labcorp
Classification: Uncertain significance for Congenital myasthenic syndrome 8. Last evaluated: 2022-10-24. Review status: criteria provided, single submitter. Criteria: Invitae Variant Classification Sherloc (09022015). Collection method: clinical testing. Allele origin: germline.
Comment: This sequence change replaces alanine, which is neutral and non-polar, with valine, which is neutral and non-polar, at codon 1424 of the AGRN protein (p.Ala1424Val). The frequency data for this variant in the population databases is considered unreliable, as metrics indicate poor data quality at this position in the gnomAD database. This variant has not been reported in the literature in individuals affected with AGRN-related conditions. ClinVar contains an entry for this variant (Variation ID: 942722). Algorithms developed to predict the effect of missense changes on protein structure and function output the following: SIFT: "Deleterious"; PolyPhen-2: "Benign"; Align-GVGD: "Class C0". The valine amino acid residue is found in multiple mammalian species, which suggests that this missense change does not adversely affect protein function. In summary, the available evidence is currently insufficient to determine the role of this variant in disease. Therefore, it has been classified as a Variant of Uncertain Significance.

NM_198576.4(AGRN):c.4271C>T (p.Ala1424Val)

Gene: AGRN (agrin; plus strand). Cytogenetic location: 1p36.33.
Variant type: single nucleotide variant.
Coding change: c.4271C>T on transcript NM_198576.4 (MANE Select); coding-DNA position 4271, C replaced by T.
Protein change: p.Ala1424Val; replaces alanine 1424 with valine.
Molecular consequence: missense variant.
Genome position (GRCh38, 1-based): chr1:1,049,032, C>T. VCF-style: chr1-1049032-C-T. GRCh37 (hg19) VCF-style: chr1-984412-C-T.
Other names: c.4271C>T, p.Ala1424Val (NM_001305275.2); c.3956C>T, p.Ala1319Val (NM_001364727.2); short protein forms A1424V, A1319V.
Identifiers: ClinVar variation 942722 (VCV000942722.5), dbSNP rs777530290, ClinGen allele CA509371.